The following is an entry in ClinVar:

ClinVar aggregate classification (germline): Pathogenic/Likely pathogenic. Review status: criteria provided, multiple submitters, no conflicts (2 of 4 stars). 8 submissions from 8 submitters: Pathogenic (3); Likely pathogenic (5). Last evaluated 2025-01-20.

Conditions:
Hereditary cancer-predisposing syndrome. Also called: Hereditary Cancer Syndrome; Tumor predisposition; Neoplastic Syndromes, Hereditary; Hereditary neoplastic syndrome. Identifiers: Orphanet 140162, MedGen C0027672, MeSH D009386, MONDO:0015356.
Hereditary breast ovarian cancer syndrome. Also called: Breast and ovarian cancer; BRCA1- and BRCA2-Associated Hereditary Breast and Ovarian Cancer; Hereditary breast and ovarian cancer; Hereditary breast and ovarian cancer syndrome (HBOC); Hereditary breast and ovarian cancer syndrome; Hereditary breast and/or ovarian cancer syndrome. Identifiers: Orphanet 145, MedGen C0677776, MeSH D061325, MONDO:0003582. Disease mechanism: loss of function.
Breast-ovarian cancer, familial, susceptibility to, 2 (BROVCA2). Also called: BRCA2 Hereditary Breast and Ovarian Cancer. Identifiers: Orphanet 145, MedGen C2675520, MONDO:0012933, OMIM 612555. Disease mechanism: loss of function.
Familial cancer of breast. Also called: BREAST CANCER, FAMILIAL; hereditary breast carcinoma; Hereditary breast cancer. Identifiers: Orphanet 227535, MedGen C0346153, MONDO:0016419, OMIM 114480. Disease mechanism: loss of function.

Allele frequency attached by ClinVar (database versions not stated): gnomAD exomes 0.00001.
gnomAD v4.1: 3 of 1,613,914 alleles (0.00019%); highest among the groups gnomAD compares: South Asian, 0.0011%; no homozygotes.

Submissions (8):

KCCC/NGS Laboratory, Kuwait Cancer Control Center
Classification: Likely pathogenic for Breast-ovarian cancer, familial, susceptibility to, 2. Last evaluated: 2025-01-20. Review status: criteria provided, single submitter. Criteria: ACMG Guidelines, 2015. Collection method: clinical testing. Allele origin: germline. Inheritance: Autosomal dominant inheritance. Affected: yes. Observed: 1 heterozygote.
Comment: This sequence change affects a donor splice site in intron 25 of the BRCA2 gene. RNA analysis indicates that disruption of this splice site induces altered splicing and may result in an absent or disrupted protein product. This position is conserved in the human. This variant is not present in population databases (gnomAD no frequency). Disruption of this splice site has been observed in individual(s) with breast cancer (PMID: 29310832, 30720863, 31209999, 34645131). ClinVar contains an entry for this variant (Variation ID: 52853). Studies have shown that disruption of this splice site results in skipping of exon 25 and introduces a premature termination codon (PMID: 29310832). The resulting mRNA is expected to undergo nonsense-mediated decay. In summary, the currently available evidence indicates that the variant is pathogenic, but additional data are needed to prove that conclusively. Therefore, this variant has been classified as Likely Pathogenic.

Color Diagnostics, LLC DBA Color Health
Classification: Pathogenic for Hereditary cancer-predisposing syndrome. Last evaluated: 2024-08-06. Review status: criteria provided, single submitter. Criteria: ACMG Guidelines, 2015. Collection method: clinical testing. Allele origin: germline.
Comment: This variant causes a G to A nucleotide substitution at the +1 position of intron 25 of the BRCA2 gene. An RNA study has shown that this variant causes the out-of-frame skipping of exon 25, resulting in premature truncation, in the analysis of RNA from two carriers (PMID: 29310832). To our knowledge, functional studies have not been reported for this variant. This variant has been detected in individuals affected with breast and/or ovarian cancer (PMID: 29310832, 30720863, 32963034; Color internal data). This variant has not been identified in the general population by the Genome Aggregation Database (gnomAD). Loss of BRCA2 function is a known mechanism of disease. Based on the available evidence, this variant is classified as Pathogenic.

Labcorp Genetics (formerly Invitae), Labcorp
Classification: Likely pathogenic for Hereditary breast ovarian cancer syndrome. Last evaluated: 2024-06-10. Review status: criteria provided, single submitter. Criteria: Invitae Variant Classification Sherloc (09022015). Collection method: clinical testing. Allele origin: germline.
Comment: This sequence change affects a donor splice site in intron 25 of the BRCA2 gene. RNA analysis indicates that disruption of this splice site induces altered splicing and may result in an absent or disrupted protein product. This variant is not present in population databases (gnomAD no frequency). Disruption of this splice site has been observed in individual(s) with breast cancer (PMID: 29310832, 30720863, 31209999, 34645131). ClinVar contains an entry for this variant (Variation ID: 52853). Studies have shown that disruption of this splice site results in skipping of exon 25 and introduces a premature termination codon (PMID: 29310832). The resulting mRNA is expected to undergo nonsense-mediated decay. In summary, the currently available evidence indicates that the variant is pathogenic, but additional data are needed to prove that conclusively. Therefore, this variant has been classified as Likely Pathogenic.

Ambry Genetics
Classification: Likely pathogenic for Hereditary cancer-predisposing syndrome. Last evaluated: 2023-12-12. Review status: criteria provided, single submitter. Criteria: Ambry Variant Classification Scheme 2023. Collection method: clinical testing. Allele origin: germline.
Comment: The c.9501+1G>A intronic variant results from a G to A substitution one nucleotide after coding exon 24 of the BRCA2 gene. This mutation has been detected in multiple Greek women with a personal history of breast cancer diagnosed before age 40 (Apessos A et al. Cancer Genet, 2018 01;220:1-12; Fostira F et al. J Med Genet, 2020 01;57:53-61). This mutation was also detected in 1/2769 Chinese breast cancer patients (Deng M et al. Int J Cancer, 2019 09;145:1517-1528). This variant is considered to be rare based on population cohorts in the Genome Aggregation Database (gnomAD). This nucleotide position is highly conserved in available vertebrate species. In silico splice site analysis predicts that this alteration will weaken the native splice donor site and may result in the creation or strengthening of a novel splice donor site. RNA studies have demonstrated that this alteration results in abnormal splicing in the set of samples tested (Ambry internal data). As such, this alteration is classified as likely pathogenic.

Clinical Genetics Laboratory, Skane University Hospital Lund
Classification: Likely pathogenic. Last evaluated: 2022-05-27. Review status: criteria provided, single submitter. Criteria: ACMG Guidelines, 2015. Collection method: clinical testing. Allele origin: germline. Affected: yes.

GeneKor MSA
Classification: Likely pathogenic for Hereditary Breast Carcinoma. Last evaluated: 2020-01-01. Review status: criteria provided, single submitter. Criteria: ACMG Guidelines, 2015. Collection method: clinical testing. Allele origin: germline. Affected: yes.
Comment: This variant is a substitution of the first nucleotide base of intron 25 of the BRCA2 gene. This position is conserved in the human and other genomes and might be involved in mRNA processing. Therefore, this variant is expected to disrupt RNA splicing and likely results in an absent or disrupted protein product. The mutation database ClinVar contains entries for this variant (Variation ID: 52853).

CeGaT Center for Human Genetics Tuebingen
Classification: Pathogenic. Last evaluated: 2019-04-01. Review status: criteria provided, single submitter. Criteria: CeGaT Center For Human Genetics Tuebingen Variant Classification Criteria Version 2. Collection method: clinical testing. Allele origin: germline. Affected: yes. Observed: 1 variant allele.

Consortium of Investigators of Modifiers of BRCA1/2 (CIMBA), c/o University of Cambridge
Classification: Pathogenic for Breast-ovarian cancer, familial, susceptibility to, 2. Last evaluated: 2015-10-02. Review status: criteria provided, single submitter. Criteria: CIMBA Mutation Classification guidelines May 2016. Collection method: clinical testing. Allele origin: germline.

Literature cited by the submitters: PubMed 29310832 (cited by 3 submitters); PubMed 30720863 (cited by 3 submitters); PubMed 32963034 (cited by Color Diagnostics, LLC DBA Color Health); PubMed 31209999 (cited by Labcorp Genetics (formerly Invitae), Labcorp); PubMed 34645131 (cited by Labcorp Genetics (formerly Invitae), Labcorp); PubMed 31300551 (cited by Ambry Genetics).

NM_000059.4(BRCA2):c.9501+1G>A

Gene: BRCA2 (BRCA2 DNA repair associated; plus strand). Cytogenetic location: 13q13.1.
Variant type: single nucleotide variant.
Coding change: c.9501+1G>A on transcript NM_000059.4 (MANE Select); the canonical splice donor site of the intron after coding-DNA position 9501, G replaced by A.
Molecular consequence: splice donor variant.
Genome position (GRCh38, 1-based): chr13:32,394,934, G>A. VCF-style: chr13-32394934-G-A. GRCh37 (hg19) VCF-style: chr13-32969071-G-A.
Other names: c.9450+1G>A (NM_001406720.1); c.9405+1G>A (NM_001406719.1); c.4569+1G>A (NM_001406721.1); c.3084+1G>A (NM_001406722.1).
Identifiers: ClinVar variation 52853 (VCV000052853.61), dbSNP rs397508058, ClinGen allele CA026182.